The following is an entry in ClinVar:

NM_001379081.2(FREM1):c.6359A>G (p.His2120Arg)

Gene: FREM1 (FRAS1 related extracellular matrix 1; minus strand). Cytogenetic location: 9p22.3.
Variant type: single nucleotide variant.
Coding change: c.6359A>G on transcript NM_001379081.2 (MANE Select); coding-DNA position 6359, A replaced by G.
Protein change: p.His2120Arg; replaces histidine 2120 with arginine.
Molecular consequence: missense variant. On other transcripts: synonymous variant (1), non-coding transcript variant (3).
Genome position (GRCh38, 1-based): chr9:14,737,577, T>C on the plus strand (A>G on the coding strand, the complement: FREM1 is on the minus strand). VCF-style: chr9-14737577-T-C. GRCh37 (hg19) VCF-style: chr9-14737575-T-C.
Other names: c.1967A>G, p.His656Arg (NM_001177704.3, NM_001370061.2); c.1701A>G, p.Ala567= (NM_001370058.2); c.6359A>G, p.His2120Arg (NM_144966.7); short protein forms H656R, H2120R.
Identifiers: ClinVar variation 2768085 (VCV002768085.3), dbSNP rs745469799, ClinGen allele CA372961387.

ClinVar aggregate classification (germline): Uncertain significance (1 of 4 stars; one submission).

gnomAD v4.1: 3 of 1,580,684 alleles (0.00019%); highest among the groups gnomAD compares: Non-Finnish European, 0.00026%; no homozygotes.

Submission:

Labcorp Genetics (formerly Invitae), Labcorp
Classification: Uncertain significance. Last evaluated: 2023-10-22. Review status: criteria provided, single submitter. Criteria: Invitae Variant Classification Sherloc (09022015). Collection method: clinical testing. Allele origin: germline.
Comment: This sequence change replaces histidine, which is basic and polar, with arginine, which is basic and polar, at codon 2120 of the FREM1 protein (p.His2120Arg). This variant is not present in population databases (gnomAD no frequency). This variant has not been reported in the literature in individuals affected with FREM1-related conditions. Algorithms developed to predict the effect of missense changes on protein structure and function output the following: SIFT: "Not Available"; PolyPhen-2: "Benign"; Align-GVGD: "Not Available". The arginine amino acid residue is found in multiple mammalian species, which suggests that this missense change does not adversely affect protein function. In summary, the available evidence is currently insufficient to determine the role of this variant in disease. Therefore, it has been classified as a Variant of Uncertain Significance.